The following is an entry in ClinVar:

NM_000287.4(PEX6):c.1293_1367+57del

Gene: PEX6 (peroxisomal biogenesis factor 6; minus strand). Cytogenetic location: 6p21.1.
Variant type: Deletion.
Coding change: c.1293_1367+57del on transcript NM_000287.4 (MANE Select); coding-DNA position 1293 through 57 bases into the intron after coding-DNA position 1367, 132 bases deleted.
Molecular consequence: splice donor variant.
Genome position (GRCh38, 1-based): chr6:42,969,611-42,969,742, 132 bases deleted. GRCh37 (hg19): chr6:42,937,355-42,937,486.
Other names: c.1029_1103+57del (NM_001316313.2).
Identifiers: ClinVar variation 4712947 (VCV004712947.1).

ClinVar aggregate classification (germline): Likely pathogenic (1 of 4 stars; one submission).

Conditions:
Peroxisome biogenesis disorder. Identifiers: Orphanet 79189, MedGen C1832200, MONDO:0019234. Disease mechanism: loss of function.

Submission:

Labcorp Genetics (formerly Invitae), Labcorp
Classification: Likely pathogenic for Peroxisome biogenesis disorder. Last evaluated: 2025-05-27. Review status: criteria provided, single submitter. Criteria: Invitae Variant Classification Sherloc (09022015). Collection method: clinical testing. Allele origin: germline.
Comment: This variant results in the deletion of part of exon 5 (c.1293_1367+57del) of the PEX6 gene. It is expected to disrupt RNA splicing. Variants that disrupt the donor or acceptor splice site typically lead to a loss of protein function (PMID: 16199547), and loss-of-function variants in PEX6 are known to be pathogenic (PMID: 10408779, 21031596, 31831025). This variant is not present in population databases (gnomAD no frequency). This variant has not been reported in the literature in individuals affected with PEX6-related conditions. In summary, the currently available evidence indicates that the variant is pathogenic, but additional data are needed to prove that conclusively. Therefore, this variant has been classified as Likely Pathogenic.

Literature cited by the submitters: PubMed 16199547; PubMed 10408779; PubMed 21031596; PubMed 31831025.